The following is an entry in ClinVar:

NM_016628.5(WAC):c.1589del (p.His530fs)

Gene: WAC (WW domain containing adaptor with coiled-coil; plus strand). Cytogenetic location: 10p12.1.
Variant type: Deletion.
Coding change: c.1589del on transcript NM_016628.5 (MANE Select); coding-DNA position 1589, one base deleted (A; older notation c.1589delA).
Protein change: p.His530fs; shifts the reading frame from histidine 530.
Molecular consequence: frameshift variant.
Genome position (GRCh38, 1-based): chr10:28,616,205, A deleted. VCF-style (leftmost placement, unchanged base first): chr10-28616204-CA-C. GRCh37 (hg19) VCF-style: chr10-28905133-CA-C.
Other names: c.1454del, p.His485fs (NM_100264.3); c.1280del, p.His427fs (NM_100486.4); short protein forms H427fs, H485fs, H530fs.
Identifiers: ClinVar variation 2575991 (VCV002575991.1), dbSNP rs2492209822, ClinGen allele CA2580615449.

ClinVar aggregate classification (germline): Likely pathogenic (1 of 4 stars; one submission).

Submission:

Institute for Clinical Genetics, University Hospital TU Dresden, University Hospital TU Dresden
Classification: Likely pathogenic. Last evaluated: 2022-06-15. Review status: criteria provided, single submitter. Criteria: ACMG Guidelines, 2015. Collection method: clinical testing. Allele origin: germline.
Comment: PVS1, PM2_SUP